The following is an entry in ClinVar:

ClinVar aggregate classification (germline): Benign. Review status: criteria provided, multiple submitters, no conflicts (2 of 4 stars). 8 submissions from 8 submitters: Benign (8). Last evaluated 2026-02-02.

Conditions:
Muscular dystrophy-dystroglycanopathy (congenital with impaired intellectual development), type B, 1. Also called: MUSCULAR DYSTROPHY, CONGENITAL, POMT1-RELATED; Muscular dystrophy-dystroglycanopathy (congenital with intellectual disability), type B1. Identifiers: MedGen C5436962, MONDO:0013159, OMIM 613155.
Autosomal recessive limb-girdle muscular dystrophy type 2K. Also called: MUSCULAR DYSTROPHY, LIMB-GIRDLE, TYPE 2K; MUSCULAR DYSTROPHY-DYSTROGLYCANOPATHY (LIMB-GIRDLE), TYPE C, 1. Identifiers: Orphanet 86812, MedGen C1836373, MONDO:0012248, OMIM 609308.
Walker-Warburg congenital muscular dystrophy. Also called: Muscular dystrophy-dystroglycanopathy, type A; Walker-Warburg syndrome. Identifiers: Orphanet 899, MedGen C0265221, MONDO:0000171.

Allele frequency attached by ClinVar (database versions not stated): gnomAD exomes 0.00181 and 0.00500; ExAC 0.00627; gnomAD 0.01852 and 0.02004; TOPMed 0.02107; ESP Exome Variant Server 0.02176; 1000 Genomes Project 0.02216; 1000 Genomes Project 30x 0.02280.
gnomAD v4.1: 5,602 of 1,612,890 alleles (0.35%); highest among the groups gnomAD compares: African/African-American, 6.4%; 164 homozygotes.

Submissions (8):

Labcorp Genetics (formerly Invitae), Labcorp
Classification: Benign for Muscular dystrophy-dystroglycanopathy (congenital with impaired intellectual development), type B, 1; Walker-Warburg congenital muscular dystrophy; Autosomal recessive limb-girdle muscular dystrophy type 2K. Last evaluated: 2026-02-02. Review status: criteria provided, single submitter. Criteria: Invitae Variant Classification Sherloc (09022015). Collection method: clinical testing. Allele origin: germline.

Athena Diagnostics
Classification: Benign. Last evaluated: 2022-10-07. Review status: criteria provided, single submitter. Criteria: Athena Diagnostics Criteria. Collection method: clinical testing. Allele origin: unknown.

Mayo Clinic Laboratories, Mayo Clinic
Classification: Benign. Last evaluated: 2019-02-25. Review status: criteria provided, single submitter. Criteria: ACMG Guidelines, 2015. Collection method: clinical testing. Allele origin: germline. Observed: 16 variant alleles.

Illumina Laboratory Services, Illumina
Classification: Benign for Autosomal recessive limb-girdle muscular dystrophy type 2K. Last evaluated: 2018-01-13. Review status: criteria provided, single submitter. Criteria: ICSL Variant Classification Criteria 13 December 2019. Collection method: clinical testing. Allele origin: germline.
Comment: This variant was observed in the ICSL laboratory as part of a predisposition screen in an ostensibly healthy population. It had not been previously curated by ICSL or reported in the Human Gene Mutation Database (HGMD: prior to June 1st, 2018), and was therefore a candidate for classification through an automated scoring system. Utilizing variant allele frequency, disease prevalence and penetrance estimates, and inheritance mode, an automated score was calculated to assess if this variant is too frequent to cause the disease. Based on the score and internal cut-off values, a variant classified as benign is not then subjected to further curation. The score for this variant resulted in a classification of benign for this disease.

GeneDx
Classification: Benign. Last evaluated: 2015-11-23. Review status: criteria provided, single submitter. Criteria: GeneDx Variant Classification (06012015). Collection method: clinical testing. Allele origin: germline. Affected: yes.
Comment: This variant is considered likely benign or benign based on one or more of the following criteria: it is a conservative change, it occurs at a poorly conserved position in the protein, it is predicted to be benign by multiple in silico algorithms, and/or has population frequency not consistent with disease.

Genetic Services Laboratory, University of Chicago
Classification: Benign for AllHighlyPenetrant. Last evaluated: 2013-08-15. Review status: criteria provided, single submitter. Criteria: ACMG Guidelines, 2007. Collection method: clinical testing. Allele origin: germline. Inheritance: Autosomal recessive inheritance.

Breakthrough Genomics
Classification: Benign. Review status: criteria provided, single submitter. Criteria: ACMG Guidelines, 2015. Collection method: not provided. Allele origin: germline. Inheritance: Autosomal recessive inheritance. Affected: yes.

PreventionGenetics, part of Exact Sciences
Classification: Benign. Review status: criteria provided, single submitter. Criteria: ACMG Guidelines, 2015. Collection method: clinical testing. Allele origin: germline.

NM_001077365.2(POMT1):c.1275A>G (p.Glu425=)

Gene: POMT1 (protein O-mannosyltransferase 1; plus strand). Cytogenetic location: 9q34.13.
Variant type: single nucleotide variant.
Coding change: c.1275A>G on transcript NM_001077365.2 (MANE Select); coding-DNA position 1275, A replaced by G.
Protein change: p.Glu425=; no amino-acid change (glutamic acid 425 retained).
Molecular consequence: synonymous variant. On other transcripts: non-coding transcript variant (10).
Genome position (GRCh38, 1-based): chr9:131,518,447, A>G. VCF-style: chr9-131518447-A-G. GRCh37 (hg19) VCF-style: chr9-134393834-A-G.
Other names: p.Glu447=; c.1113A>G, p.Glu371= (NM_001077366.2, NM_001353194.2); c.1275A>G, p.Glu425= (NM_001136113.2, NM_001374690.1); c.924A>G, p.Glu308= (NM_001136114.2, NM_001353195.2, NM_001374691.1 and 2 more transcripts); c.1341A>G, p.Glu447= (NM_001353193.2, NM_007171.4); c.1185A>G, p.Glu395= (NM_001353196.2); c.1179A>G, p.Glu393= (NM_001353197.2, NM_001353198.2); c.990A>G, p.Glu330= (NM_001353199.2); and 3 more.
Identifiers: ClinVar variation 130006 (VCV000130006.23), dbSNP rs62620174, ClinGen allele CA154745.